The following is an entry in ClinVar:

ClinVar aggregate classification (germline): Likely pathogenic (1 of 4 stars; one submission).

Conditions:
Congenital lipoid adrenal hyperplasia due to STAR deficency. Also called: Congenital Lipoid Adrenal Hyperplasia; Cholesterol monooxygenase (side-chain cleaving) deficiency; Lipoid adrenal hyperplasia; ADRENAL HYPERPLASIA I. Identifiers: Orphanet 418, Orphanet 90790, MedGen C0342474, MONDO:0008725, OMIM 201710.

Submission:

Myriad Genetics, Inc.
Classification: Likely pathogenic for Congenital lipoid adrenal hyperplasia due to STAR deficency. Last evaluated: 2022-03-17. Review status: criteria provided, single submitter. Criteria: Myriad Women's Health Autosomal Recessive and X-Linked Classification Criteria (2021). Collection method: clinical testing. Allele origin: unknown.
Comment: NM_000349.2(STAR):c.82_83insA(V28Dfs*19) is expected to be pathogenic in the context of lipoid congenital adrenal hyperplasia. This variant is predicted to lead to an abnormal or absent protein product due to the creation of a premature termination codon in STAR, a gene where loss-of-function variants are known to be pathogenic. Please note: this variant was assessed in the context of healthy population screening.

NM_000349.3(STAR):c.82_83insA (p.Val28fs)

Gene: STAR (steroidogenic acute regulatory protein; minus strand). Cytogenetic location: 8p11.23.
Variant type: Insertion.
Coding change: c.82_83insA on transcript NM_000349.3 (MANE Select); coding-DNA positions 82 to 83, A inserted.
Protein change: p.Val28fs; shifts the reading frame from valine 28.
Molecular consequence: frameshift variant.
Genome position: GRCh38 VCF-style: chr8-38148736-A-AT. GRCh37 (hg19) VCF-style: chr8-38006254-A-AT.
Other names: short protein forms V28fs.
Identifiers: ClinVar variation 1725367 (VCV001725367.2), dbSNP rs2487069265, ClinGen allele CA2580078247.